The following is an entry in ClinVar:

ClinVar aggregate classification (germline): Pathogenic (1 of 4 stars; one submission).

Conditions:
Neuromuscular disease caused by qualitative or quantitative defects of dysferlin. Also called: Dysferlinopathy; Qualitative or quantitative defects of dysferlin. Identifiers: Orphanet 207073, MedGen C2931687, MONDO:0016145.

Submission:

Labcorp Genetics (formerly Invitae), Labcorp
Classification: Pathogenic for Neuromuscular disease caused by qualitative or quantitative defects of dysferlin. Last evaluated: 2025-10-14. Review status: criteria provided, single submitter. Criteria: Invitae Variant Classification Sherloc (09022015). Collection method: clinical testing. Allele origin: germline.
Comment: This sequence change creates a premature translational stop signal (p.Ile1469Serfs*17) in the DYSF gene. It is expected to result in an absent or disrupted protein product. Loss-of-function variants in DYSF are known to be pathogenic (PMID: 17698709, 20301480). This variant is not present in population databases (gnomAD no frequency). This premature translational stop signal has been observed in individual(s) with neuromuscular disorder (PMID: 34276779). For these reasons, this variant has been classified as Pathogenic.

Literature cited by the submitters: PubMed 17698709; PubMed 20301480; PubMed 34276779.

NM_001130987.2(DYSF):c.4458del (p.Ile1487fs)

Gene: DYSF (dysferlin; plus strand). Cytogenetic location: 2p13.2.
Variant type: Deletion.
Coding change: c.4458del on transcript NM_001130987.2 (MANE Select); coding-DNA position 4458, one base deleted (C; older notation c.4458delC).
Protein change: p.Ile1487fs; shifts the reading frame from isoleucine 1487.
Molecular consequence: frameshift variant.
Genome position (GRCh38, 1-based): chr2:71,613,404, C deleted; the last of 4 consecutive C bases (chr2:71,613,401-71,613,404); deleting any one gives the same sequence. VCF-style (leftmost placement, unchanged base first): chr2-71613400-TC-T. GRCh37 (hg19) VCF-style: chr2-71840530-TC-T.
Other names: c.4407del, p.Ile1470fs (NM_001130455.2, NM_001130983.2); c.4362del, p.Ile1455fs (NM_001130976.2, NM_001130977.2); c.4404del, p.Ile1469fs (NM_001130978.2, NM_003494.4); c.4497del, p.Ile1500fs (NM_001130979.2); c.4455del, p.Ile1486fs (NM_001130980.2, NM_001130981.2); c.4500del, p.Ile1501fs (NM_001130982.2); c.4365del, p.Ile1456fs (NM_001130984.2, NM_001130986.2); c.4458del, p.Ile1487fs (NM_001130985.2); short protein forms I1456fs, I1500fs, I1486fs, I1487fs, I1469fs, I1501fs, I1455fs, I1470fs.
Identifiers: ClinVar variation 4763768 (VCV004763768.1).